The following is an entry in ClinVar:

ClinVar aggregate classification (germline): Conflicting classifications of pathogenicity. Review status: criteria provided, conflicting classifications (1 of 4 stars). 2 submissions from 2 submitters: Uncertain significance (1); Likely benign (1). Last evaluated 2025-11-24.

Conditions:
Intellectual developmental disorder, autosomal dominant 1. Also called: Intellectual disability, autosomal dominant 1; MBD5 Haploinsufficiency. Identifiers: Orphanet 228402, MedGen C1969562, MONDO:0007974, OMIM 156200.

Allele frequency attached by ClinVar (database versions not stated): gnomAD 0.00001; gnomAD exomes 0.00002; ExAC 0.00004.
gnomAD v4.1: 32 of 1,607,862 alleles (0.002%); highest among the groups gnomAD compares: Middle Eastern, 0.033%; no homozygotes.

Submissions (2):

Labcorp Genetics (formerly Invitae), Labcorp
Classification: Uncertain significance for Intellectual developmental disorder, autosomal dominant 1. Last evaluated: 2025-11-24. Review status: criteria provided, single submitter. Criteria: Invitae Variant Classification Sherloc (09022015). Collection method: clinical testing. Allele origin: germline.
Comment: This sequence change replaces glycine, which is neutral and non-polar, with aspartic acid, which is acidic and polar, at codon 841 of the MBD5 protein (p.Gly841Asp). The frequency data for this variant in the population databases is considered unreliable, as metrics indicate poor data quality at this position in the gnomAD database. This variant has not been reported in the literature in individuals affected with MBD5-related conditions. ClinVar contains an entry for this variant (Variation ID: 854497). Invitae Evidence Modeling of protein sequence and biophysical properties (such as structural, functional, and spatial information, amino acid conservation, physicochemical variation, residue mobility, and thermodynamic stability) indicates that this missense variant is not expected to disrupt MBD5 protein function with a negative predictive value of 80%. In summary, the available evidence is currently insufficient to determine the role of this variant in disease. Therefore, it has been classified as a Variant of Uncertain Significance.

CeGaT Center for Human Genetics Tuebingen
Classification: Likely benign. Last evaluated: 2025-08-01. Review status: criteria provided, single submitter. Criteria: CeGaT Center For Human Genetics Tuebingen Variant Classification Criteria Version 2. Collection method: clinical testing. Allele origin: germline. Affected: yes. Observed: 2 variant alleles.
Comment: MBD5: BP4

NM_001378120.1(MBD5):c.2522G>A (p.Gly841Asp)

Gene: MBD5 (methyl-CpG binding domain protein 5; plus strand). Cytogenetic location: 2q23.1.
Variant type: single nucleotide variant.
Coding change: c.2522G>A on transcript NM_001378120.1 (MANE Select); coding-DNA position 2522, G replaced by A.
Protein change: p.Gly841Asp; replaces glycine 841 with aspartic acid.
Molecular consequence: missense variant.
Genome position (GRCh38, 1-based): chr2:148,483,113, G>A. VCF-style: chr2-148483113-G-A. GRCh37 (hg19) VCF-style: chr2-149240682-G-A.
Other names: c.2522G>A, p.Gly841Asp (NM_018328.5); short protein forms G841D.
Identifiers: ClinVar variation 854497 (VCV000854497.34), dbSNP rs756065878, ClinGen allele CA1900186.